The following is an entry in ClinVar:

NM_001267550.2(TTN):c.2396C>T (p.Thr799Met)

Gene: TTN (titin; minus strand). Cytogenetic location: 2q31.2.
Variant type: single nucleotide variant.
Coding change: c.2396C>T on transcript NM_001267550.2 (MANE Select); coding-DNA position 2396, C replaced by T.
Protein change: p.Thr799Met; replaces threonine 799 with methionine.
Molecular consequence: missense variant.
Genome position (GRCh38, 1-based): chr2:178,785,717, G>A on the plus strand (C>T on the coding strand, the complement: TTN is on the minus strand). VCF-style: chr2-178785717-G-A. GRCh37 (hg19) VCF-style: chr2-179650444-G-A.
Other names: c.2396C>T, p.Thr799Met (NM_133378.4, NM_001256850.1, NM_133379.5); c.2258C>T, p.Thr753Met (NM_003319.4, NM_133432.3, NM_133437.4); short protein forms T799M, T753M.
Identifiers: ClinVar variation 178274 (VCV000178274.22), dbSNP rs149061352, ClinGen allele CA182001.

ClinVar aggregate classification (germline): Conflicting classifications of pathogenicity. Review status: criteria provided, conflicting classifications (1 of 4 stars). 8 submissions from 8 submitters: Uncertain significance (6); Likely benign (2). Last evaluated 2026-02-19.

Conditions:
Cardiovascular phenotype. Identifiers: MedGen CN230736.
Dilated cardiomyopathy 1G (CMD1G). Identifiers: Orphanet 154, MedGen C1858763, MONDO:0011400, OMIM 604145.
Autosomal recessive limb-girdle muscular dystrophy type 2J (LGMDR10). Also called: Limb-girdle muscular dystrophy, type 2J; MUSCULAR DYSTROPHY, LIMB-GIRDLE, AUTOSOMAL RECESSIVE 10. Identifiers: Orphanet 140922, MedGen C1837342, MONDO:0012127, OMIM 608807.
TTN-related disorder. Also called: TTN-related condition; TTN-related disease; TTN-related disorders.
Primary dilated cardiomyopathy (DCM). Also called: Dilated Cardiomyopathy. Identifiers: Orphanet 217604, MedGen C0007193, MeSH D002311, MONDO:0005021, HP:0001644. Inheritance: Various modes of inheritance.

Allele frequency attached by ClinVar (database versions not stated): ExAC 0.00005; TOPMed 0.00007; ESP Exome Variant Server 0.00015; 1000 Genomes Project 30x 0.00078; 1000 Genomes Project 0.00080.
gnomAD v4.1: 79 of 1,614,126 alleles (0.0049%); highest among the groups gnomAD compares: African/African-American, 0.012%; no homozygotes.

Submissions (8):

PreventionGenetics, part of Exact Sciences
Classification: Uncertain significance for TTN-related condition. Last evaluated: 2026-02-19. Review status: criteria provided, single submitter. Criteria: ACMG Guidelines, 2015. Collection method: clinical testing. Allele origin: germline.
Comment: The TTN c.2396C>T variant is predicted to result in the amino acid substitution p.Thr799Met. This variant has been reported as a variant of uncertain significance in a cohort of individuals with dilated cardiomyopathy (Table S2b, Al-Shafai et al. 2021. PubMed ID: 34137518). This variant is reported in 0.016% of alleles in individuals of African descent in gnomAD. At this time, the clinical significance of this variant is uncertain due to the absence of conclusive functional and genetic evidence.

Revvity Omics, Revvity
Classification: Uncertain significance. Last evaluated: 2020-09-09. Review status: criteria provided, single submitter. Criteria: ACMG Guidelines, 2015. Collection method: clinical testing. Allele origin: germline.

Ambry Genetics
Classification: Likely benign for Cardiovascular phenotype. Last evaluated: 2020-03-06. Review status: criteria provided, single submitter. Criteria: Ambry Variant Classification Scheme 2023. Collection method: clinical testing. Allele origin: germline.

GeneDx
Classification: Likely benign. Last evaluated: 2018-06-21. Review status: criteria provided, single submitter. Criteria: GeneDx Variant Classification Process June 2021. Collection method: clinical testing. Allele origin: germline. Affected: yes.
Comment: This variant is associated with the following publications: (PMID: 17344846)

Labcorp Genetics (formerly Invitae), Labcorp
Classification: Uncertain significance for Dilated cardiomyopathy 1G; Autosomal recessive limb-girdle muscular dystrophy type 2J. Last evaluated: 2017-12-13. Review status: criteria provided, single submitter. Criteria: Invitae Variant Classification Sherloc (09022015). Collection method: clinical testing. Allele origin: germline.

Eurofins Ntd Llc (ga)
Classification: Uncertain significance. Last evaluated: 2017-06-27. Review status: criteria provided, single submitter. Criteria: EGL Classification Definitions 2015. Collection method: clinical testing. Allele origin: germline. Observed: 1 variant allele, 1 heterozygote.

Laboratory for Molecular Medicine, Mass General Brigham Personalized Medicine
Classification: Uncertain significance. Last evaluated: 2014-04-16. Review status: criteria provided, single submitter. Criteria: LMM Criteria. Collection method: clinical testing. Allele origin: germline. Observed: 1 variant allele.
Comment: The Thr799Met variant in TTN has not been reported in individuals with cardiomyo pathy, but has been identified in 1/8600 of European American chromosomes and 1/ 4406 of African American chromosomes by the NHLBI Exome Sequencing Project (dbSNP rs149061352). Computational prediction tool s and conservation analysis do not provide strong support for or against an impa ct to the protein. Additional information is needed to fully assess the clinica l significance of the Thr799Met variant.

Genetics and Genomics Program, Sidra Medicine
Classification: Uncertain significance for Primary dilated cardiomyopathy. Review status: criteria provided, single submitter. Criteria: ACMG Guidelines, 2015. Collection method: research. Allele origin: unknown. Affected: yes. Observed: 1 variant allele.